The following is an entry in ClinVar:

ClinVar aggregate classification (germline): Likely pathogenic (1 of 4 stars; one submission).

Conditions:
Intellectual developmental disorder, X-linked, syndromic, Turner type. Also called: Intellectual disability, X-linked syndromic, Turner type; X-linked intellectual disability, Turner type. Identifiers: Orphanet 3056, Orphanet 85328, MedGen C2678046, MONDO:0010407, OMIM 309590.

Submission:

Center for Medical Genetics and Molecular Medicine, Haukeland University Hospital
Classification: Likely pathogenic for Intellectual developmental disorder, X-linked, syndromic, Turner type. Last evaluated: 2017-01-18. Review status: criteria provided, single submitter. Criteria: ACMG Guidelines, 2015. Collection method: clinical testing. Allele origin: de novo. Inheritance: X-linked inheritance. Affected: no. Observed: 1 variant allele.
Comment: ACMG evidence: PS(1), PM(1), PP(2)

NM_031407.7(HUWE1):c.12205A>T (p.Ile4069Phe)

Gene: HUWE1 (HECT, UBA and WWE domain containing E3 ubiquitin protein ligase 1; minus strand). Cytogenetic location: Xp11.22.
Variant type: single nucleotide variant.
Coding change: c.12205A>T on transcript NM_031407.7 (MANE Select); coding-DNA position 12205, A replaced by T.
Protein change: p.Ile4069Phe; replaces isoleucine 4069 with phenylalanine.
Molecular consequence: missense variant.
Genome position (GRCh38, 1-based): chrX:53,536,600, T>A on the plus strand (A>T on the coding strand, the complement: HUWE1 is on the minus strand). VCF-style: chrX-53536600-T-A. GRCh37 (hg19) VCF-style: chrX-53563561-T-A.
Other names: short protein forms I4069F.
Identifiers: ClinVar variation 375719 (VCV000375719.2), dbSNP rs1556913268, ClinGen allele CA413151366.